The following is an entry in ClinVar:

ClinVar aggregate classification (germline): Uncertain significance (1 of 4 stars; one submission).

Conditions:
SEMA3A-related disorder. Also called: SEMA3A-related condition.

gnomAD v4.1: 3 of 1,609,344 alleles (0.00019%); highest among the groups gnomAD compares: Admixed American, 0.0017%; no homozygotes.

Submission:

PreventionGenetics, part of Exact Sciences
Classification: Uncertain significance for SEMA3A-related condition. Last evaluated: 2024-10-22. Review status: criteria provided, single submitter. Criteria: ACMG Guidelines, 2015. Collection method: clinical testing. Allele origin: germline.
Comment: The SEMA3A c.1078G>T variant is predicted to result in the amino acid substitution p.Asp360Tyr. To our knowledge, this variant has not been reported in the literature. This variant is reported in 0.0060% of alleles in individuals of Latino descent in gnomAD. At this time, the clinical significance of this variant is uncertain due to the absence of conclusive functional and genetic evidence.

NM_006080.3(SEMA3A):c.1078G>T (p.Asp360Tyr)

Gene: SEMA3A (semaphorin 3A; minus strand). Cytogenetic location: 7q21.11.
Variant type: single nucleotide variant.
Coding change: c.1078G>T on transcript NM_006080.3 (MANE Select); coding-DNA position 1078, G replaced by T.
Protein change: p.Asp360Tyr; replaces aspartic acid 360 with tyrosine.
Molecular consequence: missense variant.
Genome position (GRCh38, 1-based): chr7:84,007,415, C>A on the plus strand (G>T on the coding strand, the complement: SEMA3A is on the minus strand). VCF-style: chr7-84007415-C-A. GRCh37 (hg19) VCF-style: chr7-83636731-C-A.
Other names: short protein forms D360Y.
Identifiers: ClinVar variation 4988433 (VCV004988433.1).